The following is an entry in ClinVar:

ClinVar aggregate classification (germline): Likely benign (1 of 4 stars; one submission).

Allele frequency attached by ClinVar (database versions not stated): ExAC 0.00016; 1000 Genomes Project 0.00020; gnomAD 0.00020; TOPMed 0.00028; 1000 Genomes Project 30x 0.00031; ESP Exome Variant Server 0.00031.
gnomAD v4.1: 478 of 1,613,316 alleles (0.03%); highest among the groups gnomAD compares: Non-Finnish European, 0.026%; 1 homozygote.

Submission:

CeGaT Center for Human Genetics Tuebingen
Classification: Likely benign. Last evaluated: 2022-08-01. Review status: criteria provided, single submitter. Criteria: CeGaT Center For Human Genetics Tuebingen Variant Classification Criteria Version 2. Collection method: clinical testing. Allele origin: germline. Affected: yes. Observed: 2 variant alleles.
Comment: NARS1: BP4, BP7

NM_004539.4(NARS1):c.1575G>A (p.Thr525=)

Gene: NARS1 (asparaginyl-tRNA synthetase 1; minus strand). Cytogenetic location: 18q21.31.
Variant type: single nucleotide variant.
Coding change: c.1575G>A on transcript NM_004539.4 (MANE Select); coding-DNA position 1575, G replaced by A.
Protein change: p.Thr525=; no amino-acid change (threonine 525 retained).
Molecular consequence: synonymous variant.
Genome position (GRCh38, 1-based): chr18:57,601,724, C>T on the plus strand (G>A on the coding strand, the complement: NARS1 is on the minus strand). VCF-style: chr18-57601724-C-T. GRCh37 (hg19) VCF-style: chr18-55268956-C-T.
Identifiers: ClinVar variation 2648746 (VCV002648746.24), dbSNP rs375159897, ClinGen allele CA8973372.